The following is an entry in ClinVar:

ClinVar aggregate classification (germline): Uncertain significance. Review status: criteria provided, multiple submitters, no conflicts (2 of 4 stars). 2 submissions from 2 submitters: Uncertain significance (2). Last evaluated 2023-10-09.

Conditions:
Hereditary cancer-predisposing syndrome. Also called: Neoplastic Syndromes, Hereditary; Hereditary Cancer Syndrome; Hereditary neoplastic syndrome; Tumor predisposition. Identifiers: Orphanet 140162, MedGen C0027672, MeSH D009386, MONDO:0015356.
Ataxia-telangiectasia syndrome (AT). Also called: ATAXIA-TELANGIECTASIA, COMPLEMENTATION GROUP A; ATAXIA-TELANGIECTASIA, FRESNO VARIANT; Ataxia-telangiectasia, complementation group E; Ataxia telangiectasia (A-T); LOUIS-BAR SYNDROME; Cerebello-oculocutaneous telangiectasia. Identifiers: Orphanet 100, MedGen C0004135, MONDO:0008840, OMIM 208900.

Submissions (2):

Labcorp Genetics (formerly Invitae), Labcorp
Classification: Uncertain significance for Ataxia-telangiectasia syndrome. Last evaluated: 2023-10-09. Review status: criteria provided, single submitter. Criteria: Invitae Variant Classification Sherloc (09022015). Collection method: clinical testing. Allele origin: germline.
Comment: This sequence change replaces histidine, which is basic and polar, with tyrosine, which is neutral and polar, at codon 1352 of the ATM protein (p.His1352Tyr). This variant is not present in population databases (gnomAD no frequency). This variant has not been reported in the literature in individuals affected with ATM-related conditions. ClinVar contains an entry for this variant (Variation ID: 824542). An algorithm developed to predict the effect of missense changes on protein structure and function (PolyPhen-2) suggests that this variant is likely to be tolerated. In summary, the available evidence is currently insufficient to determine the role of this variant in disease. Therefore, it has been classified as a Variant of Uncertain Significance.

Ambry Genetics
Classification: Uncertain significance for Hereditary cancer-predisposing syndrome. Last evaluated: 2018-10-17. Review status: criteria provided, single submitter. Criteria: Ambry Variant Classification Scheme 2023. Collection method: clinical testing. Allele origin: germline.
Comment: The p.H1352Y variant (also known as c.4054C>T), located in coding exon 26 of the ATM gene, results from a C to T substitution at nucleotide position 4054. The histidine at codon 1352 is replaced by tyrosine, an amino acid with similar properties. This amino acid position is well conserved in available vertebrate species. In addition, this alteration is predicted to be tolerated by in silico analysis. Since supporting evidence is limited at this time, the clinical significance of this alteration remains unclear.

NM_000051.4(ATM):c.4054C>T (p.His1352Tyr)

Gene: ATM (ATM serine/threonine kinase; plus strand). Cytogenetic location: 11q22.3.
Variant type: single nucleotide variant.
Coding change: c.4054C>T on transcript NM_000051.4 (MANE Select); coding-DNA position 4054, C replaced by T.
Protein change: p.His1352Tyr; replaces histidine 1352 with tyrosine.
Molecular consequence: missense variant.
Genome position (GRCh38, 1-based): chr11:108,287,660, C>T. VCF-style: chr11-108287660-C-T. GRCh37 (hg19) VCF-style: chr11-108158387-C-T.
Other names: c.4054C>T, p.His1352Tyr (NM_001351834.2); short protein forms H1352Y.
Identifiers: ClinVar variation 824542 (VCV000824542.7), dbSNP rs1591655903, ClinGen allele CA382527965.